The following is an entry in ClinVar:

ClinVar aggregate classification (germline): Uncertain significance (1 of 4 stars; one submission).

Submission:

Labcorp Genetics (formerly Invitae), Labcorp
Classification: Uncertain significance. Last evaluated: 2025-02-17. Review status: criteria provided, single submitter. Criteria: Invitae Variant Classification Sherloc (09022015). Collection method: clinical testing. Allele origin: germline.
Comment: This sequence change affects codon 428 of the EFTUD2 mRNA. It is a 'silent' change, meaning that it does not change the encoded amino acid sequence of the EFTUD2 protein. It affects a nucleotide within the consensus splice site. This variant is not present in population databases (gnomAD no frequency). This variant has not been reported in the literature in individuals affected with EFTUD2-related conditions. ClinVar contains an entry for this variant (Variation ID: 1373598). Algorithms developed to predict the effect of sequence changes on RNA splicing suggest that this variant is not likely to affect RNA splicing. In summary, the available evidence is currently insufficient to determine the role of this variant in disease. Therefore, it has been classified as a Variant of Uncertain Significance.

NM_004247.4(EFTUD2):c.1284A>G (p.Thr428=)

Gene: EFTUD2 (elongation factor Tu GTP binding domain containing 2; minus strand). Cytogenetic location: 17q21.31.
Variant type: single nucleotide variant.
Coding change: c.1284A>G on transcript NM_004247.4 (MANE Select); coding-DNA position 1284, A replaced by G.
Protein change: p.Thr428=; no amino-acid change (threonine 428 retained).
Molecular consequence: synonymous variant.
Genome position (GRCh38, 1-based): chr17:44,864,931, T>C on the plus strand (A>G on the coding strand, the complement: EFTUD2 is on the minus strand). VCF-style: chr17-44864931-T-C. GRCh37 (hg19) VCF-style: chr17-42942299-T-C.
Other names: c.1179A>G, p.Thr393= (NM_001142605.2); c.1284A>G, p.Thr428= (NM_001258353.2); c.1254A>G, p.Thr418= (NM_001258354.2).
Identifiers: ClinVar variation 1373598 (VCV001373598.8), dbSNP rs2145478150, ClinGen allele CA500313511.
Genomic context (GRCh38, chr17:44,864,931, plus strand): 5'-TGATACCTGTGGCAGGGCACGAGGATGACAGAGTTAAGGGGCCACGAGCACATTATTACC[T>C]GTGAACTCGCCAAAGAACTTTTTGCAGACCAGCCTGAGCAAGGGGCGGATGTTCAGCTTC-3'
Protein context (NP_004238.3, residues 418-438): LVCKKFFGEF[Thr428=]GFVDMCVQHI